The following is an entry in ClinVar:

ClinVar aggregate classification (germline): Pathogenic. Review status: criteria provided, multiple submitters, no conflicts (2 of 4 stars). 8 submissions from 8 submitters: Pathogenic (6). 2 of the submissions do not count toward it. Last evaluated 2025-08-20.

Conditions:
Congenital disorder of deglycosylation 1. Also called: NGLY1-deficiency; NGLY1-Related Congenital Disorder of Deglycosylation. Identifiers: Orphanet 404454, MedGen CN306977, MONDO:0800044, OMIM 615273.
Neuromotor delay.
Peripheral neuropathy. Also called: Neuropathy. Identifiers: MedGen C0031117, MONDO:0005244, HP:0009830.
Intellectual disability. Also called: Intellectual developmental disorder; intellectual disabilities; Intellectual functioning disability. Identifiers: MedGen C3714756, MeSH D008607, MONDO:0001071, HP:0001249.
Congenital disorder of deglycosylation (CDDG). Identifiers: MedGen C3808991, MONDO:0031376.

Submissions (8):

Labcorp Genetics (formerly Invitae), Labcorp
Classification: Pathogenic for Congenital disorder of deglycosylation. Last evaluated: 2025-08-20. Review status: criteria provided, single submitter. Criteria: Invitae Variant Classification Sherloc (09022015). Collection method: clinical testing. Allele origin: germline.
Comment: This sequence change creates a premature translational stop signal (p.Asn511Lysfs*51) in the NGLY1 gene. It is expected to result in an absent or disrupted protein product. Loss-of-function variants in NGLY1 are known to be pathogenic (PMID: 24651605). This variant is present in population databases (rs765211108, gnomAD 0.003%). This premature translational stop signal has been observed in individual(s) with NGLY1-related conditions (PMID: 25220016). It has also been observed to segregate with disease in related individuals. ClinVar contains an entry for this variant (Variation ID: 548658). For these reasons, this variant has been classified as Pathogenic.

GeneDx
Classification: Pathogenic. Last evaluated: 2025-07-31. Review status: criteria provided, single submitter. Criteria: GeneDx Variant Classification Process June 2021. Collection method: clinical testing. Allele origin: germline. Affected: yes.
Comment: Frameshift variant predicted to result in protein truncation or nonsense mediated decay in a gene for which loss-of-function is a known mechanism of disease; Not observed at significant frequency in large population cohorts (gnomAD); This variant is associated with the following publications: (PMID: 32395402, 31497478, 25900930, 26611529, 31957011, 33098801, 33619735, 35872528, 36528660, 35243670, 25220016)

Women's Health and Genetics/Laboratory Corporation of America, LabCorp
Classification: Pathogenic for Congenital disorder of deglycosylation. Last evaluated: 2023-03-30. Review status: criteria provided, single submitter. Criteria: LabCorp Variant Classification Summary - May 2015. Collection method: clinical testing. Allele origin: germline.
Comment: Variant summary: NGLY1 c.1533_1536delTCAA (p.Asn511LysfsX51) results in a premature termination codon, predicted to cause a truncation of the encoded protein or absence of the protein due to nonsense mediated decay, which are commonly known mechanisms for disease. Truncations downstream of this position are classified as pathogenic in ClinVar. The variant allele was found at a frequency of 1.7e-05 in 235796 control chromosomes. c.1533_1536delTCAA has been reported in the literature in multiple individuals affected with neuromotor impairment, intellectual disability, and neuropathy (Caglayan_2015, Mitani_2021), dystonia (Zech_2020), and NGLY1 deficiency (Levy_2022). Some of these individuals were reported as compound heterozygous with other (likely) pathogenic truncating variants. These data indicate that the variant is very likely to be associated with disease. Four submitters have provided clinical-significance assessments for this variant to ClinVar after 2014, and classified the variant as pathogenic. Based on the evidence outlined above, the variant was classified as pathogenic.

Institute of Human Genetics Munich, TUM University Hospital
Classification: Pathogenic for Congenital disorder of deglycosylation 1. Last evaluated: 2020-12-09. Review status: criteria provided, single submitter. Criteria: Classification criteria August 2017. Collection method: clinical testing. Allele origin: maternal. Inheritance: Autosomal recessive inheritance. Affected: yes. Observed: 2 variant alleles.

Eurofins Ntd Llc (ga)
Classification: Pathogenic. Last evaluated: 2017-08-09. Review status: criteria provided, single submitter. Criteria: EGL Classification Definitions 2015. Collection method: clinical testing. Allele origin: germline. Observed: 1 variant allele, 1 homozygote.

Center of Excellence of Human Genetics, National Research Center
Classification: Pathogenic for Congenital disorder of deglycosylation 1. Review status: criteria provided, single submitter. Criteria: ACMG Guidelines, 2015. Collection method: clinical testing. Allele origin: germline. Affected: yes.
Comment: The c.1533_1536del p.N511Kfs*51 rs765211108 variant in NGLY1 is a frameshift change located in exon 10 of the gene; it is reported in gnomAD with an allele frequency of 0.001700% and no homozygous individuals, and available computational evidence includes a CADD score of 28.9. This variant is reported in ClinVar with four pathogenic submissions.

Solve-RD Consortium
Classification: Likely pathogenic for Congenital disorder of deglycosylation 1. Last evaluated: 2022-06-01. Review status: no assertion criteria provided. Collection method: provider interpretation. Allele origin: inherited. Affected: yes. Not counted in ClinVar's aggregate classification.
Comment: Variant confirmed as disease-causing by referring clinical team

Variant identified during reanalysis of unsolved cases by the Solve-RD project. The Solve-RD project has received funding from the European Union’s Horizon 2020 research and innovation programme under grant agreement No 779257.

Yale Center for Mendelian Genomics, Yale University
Classification: Likely pathogenic for Intellectual disability; Neuropathy; Neuromotor delay. Last evaluated: 2014-09-09. Review status: no assertion criteria provided. Collection method: literature only. Allele origin: germline. Affected: yes. Observed: 2 homozygotes. Not counted in ClinVar's aggregate classification.

Literature cited by the submitters: PubMed 24651605 (cited by Labcorp Genetics (formerly Invitae), Labcorp); PubMed 25220016 (cited by 4 submitters); PubMed 34582790 (cited by Women's Health and Genetics/Laboratory Corporation of America, LabCorp); PubMed 33098801 (cited by Women's Health and Genetics/Laboratory Corporation of America, LabCorp); PubMed 35243670 (cited by Women's Health and Genetics/Laboratory Corporation of America, LabCorp); PubMed 39825153 (cited by Solve-RD Consortium).

NM_018297.4(NGLY1):c.1533_1536del (p.Asn511fs)

Gene: NGLY1 (N-glycanase 1; minus strand). Cytogenetic location: 3p24.2.
Variant type: Deletion.
Coding change: c.1533_1536del on transcript NM_018297.4 (MANE Select); coding-DNA positions 1533 to 1536, 4 bases deleted (TCAA; older notation c.1533_1536delTCAA).
Protein change: p.Asn511fs; shifts the reading frame from asparagine 511.
Molecular consequence: frameshift variant.
Genome position (GRCh38, 1-based): chr3:25,729,208-25,729,211, TTGA deleted on the plus strand (TCAA on the coding strand, the reverse complement: NGLY1 is on the minus strand); deleting any 4 consecutive bases within chr3:25,729,208-25,729,214 gives the same sequence; the c. name uses the placement nearest the transcript's 3' end. VCF-style (leftmost placement, unchanged base first): chr3-25729207-TTTGA-T. GRCh37 (hg19) VCF-style: chr3-25770698-TTTGA-T.
Other names: c.1479_1482del, p.Asn493fs (NM_001145293.2); c.1407_1410del, p.Asn469fs (NM_001145294.2); c.1533_1536del, p.Asn511fs (NM_001145295.2); c.1533_1536delTCAA (NM_018297.3); short protein forms N469fs, N493fs, N511fs.
Identifiers: ClinVar variation 548658 (VCV000548658.21), dbSNP rs765211108, ClinGen allele CA2289129.